The following is an entry in ClinVar:

ClinVar aggregate classification (germline): Uncertain significance (1 of 4 stars; one submission).

Allele frequency attached by ClinVar (database versions not stated): gnomAD exomes below 0.00001.
gnomAD v4.1: 1 of 1,612,274 alleles (0.000062%); highest among the groups gnomAD compares: South Asian, 0.0011%; no homozygotes.

Submission:

Ambry Genetics
Classification: Uncertain significance. Last evaluated: 2022-11-11. Review status: criteria provided, single submitter. Criteria: Ambry Variant Classification Scheme 2023. Collection method: clinical testing. Allele origin: germline.
Comment: The p.E909D variant (also known as c.2727A>T), located in coding exon 4 of the ALPK2 gene, results from an A to T substitution at nucleotide position 2727. The glutamic acid at codon 909 is replaced by aspartic acid, an amino acid with highly similar properties. This amino acid position is conserved. In addition, this alteration is predicted to be tolerated by in silico analysis. Since supporting evidence is limited at this time, the clinical significance of this alteration remains unclear.

NM_052947.4(ALPK2):c.2727A>T (p.Glu909Asp)

Gene: ALPK2 (alpha kinase 2; minus strand). Cytogenetic location: 18q21.31.
Variant type: single nucleotide variant.
Coding change: c.2727A>T on transcript NM_052947.4 (MANE Select); coding-DNA position 2727, A replaced by T.
Protein change: p.Glu909Asp; replaces glutamic acid 909 with aspartic acid.
Molecular consequence: missense variant.
Genome position (GRCh38, 1-based): chr18:58,537,460, T>A on the plus strand (A>T on the coding strand, the complement: ALPK2 is on the minus strand). VCF-style: chr18-58537460-T-A. GRCh37 (hg19) VCF-style: chr18-56204692-T-A.
Other names: short protein forms E909D.
Identifiers: ClinVar variation 2449201 (VCV002449201.2), dbSNP rs2518877322, ClinGen allele CA402569912.
Genomic context (GRCh38, chr18:58,537,460, plus strand): 5'-CTGGCCAGCATGTACTGTGGAGGCCAGTGGGTAGGTGGAATTCTCCACCTTGGCTAGATT[T>A]TCTCCTGTGGCACCTTCACTAGCTGTGTGTGAAATGTTCAAGGTGAAAGTACTGGTAAAA-3'
Protein context (NP_443179.3, residues 899-919): SHTASEGATG[Glu909Asp]NLAKVENSTY